The following is an entry in ClinVar:

NM_000455.5(STK11):c.511G>A (p.Gly171Ser)

Gene: STK11 (serine/threonine kinase 11; plus strand). Cytogenetic location: 19p13.3.
Variant type: single nucleotide variant.
Coding change: c.511G>A on transcript NM_000455.5 (MANE Select); coding-DNA position 511, G replaced by A.
Protein change: p.Gly171Ser; replaces glycine 171 with serine.
Molecular consequence: missense variant.
Genome position (GRCh38, 1-based): chr19:1,220,419, G>A. VCF-style: chr19-1220419-G-A. GRCh37 (hg19) VCF-style: chr19-1220418-G-A.
Other names: short protein forms G171S.
Identifiers: ClinVar variation 646934 (VCV000646934.13), dbSNP rs1599926499, ClinGen allele CA402948937.
Genomic context (GRCh38, chr19:1,220,419, plus strand): 5'-TGTGCTGCCCGCAGGTACTTCTGTCAGCTGATTGACGGCCTGGAGTACCTGCATAGCCAG[G>A]GCATTGTGCACAAGGACATCAAGCCGGGGAACCTGCTGCTCACCACCGGTGGCACCCTCA-3'
Protein context (NP_000446.1, residues 161-181): IDGLEYLHSQ[Gly171Ser]IVHKDIKPGN

ClinVar aggregate classification (germline): Uncertain significance. Review status: criteria provided, multiple submitters, no conflicts (2 of 4 stars). 3 submissions from 3 submitters: Uncertain significance (3). Last evaluated 2024-01-11.

Conditions:
Peutz-Jeghers syndrome (PJS). Also called: POLYPOSIS, HAMARTOMATOUS INTESTINAL; POLYPS-AND-SPOTS SYNDROME; Peutz-Jeghers polyposis; Periorificial lentiginosis syndrome. Identifiers: Orphanet 2869, MedGen C0031269, MeSH D010580, MONDO:0008280, OMIM 175200.
Hereditary cancer-predisposing syndrome. Also called: Hereditary Cancer Syndrome; Tumor predisposition; Neoplastic Syndromes, Hereditary; Hereditary neoplastic syndrome. Identifiers: Orphanet 140162, MedGen C0027672, MeSH D009386, MONDO:0015356.

Submissions (3):

Ambry Genetics
Classification: Uncertain significance for Hereditary cancer-predisposing syndrome. Last evaluated: 2024-01-11. Review status: criteria provided, single submitter. Criteria: Ambry Variant Classification Scheme 2023. Collection method: clinical testing. Allele origin: germline.
Comment: The p.G171S variant (also known as c.511G>A), located in coding exon 4 of the STK11 gene, results from a G to A substitution at nucleotide position 511. The glycine at codon 171 is replaced by serine, an amino acid with similar properties. Though this alteration has not been reported in the literature as a germline alteration, one study detected p.G171S in a sporadic colorectal cancer sample; functional studies demonstrated that this variant did not affect kinase function (Launonen V et al. Cancer Res. 2000 Feb;60(3):546-8). This amino acid position is highly conserved in available vertebrate species. In addition, this alteration is predicted to be deleterious by in silico analysis. Since supporting evidence is limited at this time, the clinical significance of this alteration remains unclear.

Labcorp Genetics (formerly Invitae), Labcorp
Classification: Uncertain significance for Peutz-Jeghers syndrome. Last evaluated: 2021-12-07. Review status: criteria provided, single submitter. Criteria: Invitae Variant Classification Sherloc (09022015). Collection method: clinical testing. Allele origin: germline.
Comment: This sequence change replaces glycine, which is neutral and non-polar, with serine, which is neutral and polar, at codon 171 of the STK11 protein (p.Gly171Ser). This variant is not present in population databases (gnomAD no frequency). This variant has not been reported in the literature in individuals affected with STK11-related conditions. ClinVar contains an entry for this variant (Variation ID: 646934). Advanced modeling of protein sequence and biophysical properties (such as structural, functional, and spatial information, amino acid conservation, physicochemical variation, residue mobility, and thermodynamic stability) performed at Invitae indicates that this missense variant is expected to disrupt STK11 protein function. Experimental studies have shown that this missense change does not substantially affect STK11 function (PMID: 10676634). In summary, the available evidence is currently insufficient to determine the role of this variant in disease. Therefore, it has been classified as a Variant of Uncertain Significance.

Genome-Nilou Lab
Classification: Uncertain significance for Peutz-Jeghers syndrome. Last evaluated: 2021-07-15. Review status: criteria provided, single submitter. Criteria: ACMG Guidelines, 2015. Collection method: clinical testing. Allele origin: germline. Affected: no.

Literature cited by the submitters: PubMed 10676634 (cited by Labcorp Genetics (formerly Invitae), Labcorp).